The following is an entry in ClinVar:

ClinVar aggregate classification (germline): Uncertain significance. Review status: criteria provided, multiple submitters, no conflicts (2 of 4 stars). 4 submissions from 4 submitters: Uncertain significance (2). 2 of the submissions do not count toward it. Last evaluated 2024-04-23.

Conditions:
Seckel syndrome 1 (SCKL1). Also called: MICROCEPHALIC PRIMORDIAL DWARFISM I. Identifiers: Orphanet 808, MedGen C4551474, MONDO:0008869, OMIM 210600.
Familial cutaneous telangiectasia and oropharyngeal predisposition cancer syndrome. Identifiers: Orphanet 313846, MedGen C3281203, MONDO:0013806, OMIM 614564.

Submissions (4):

Labcorp Genetics (formerly Invitae), Labcorp
Classification: Uncertain significance. Last evaluated: 2024-04-23. Review status: criteria provided, single submitter. Criteria: Invitae Variant Classification Sherloc (09022015). Collection method: clinical testing. Allele origin: germline.
Comment: This variant, c.3339_3341del, results in the deletion of 1 amino acid(s) of the ATR protein (p.Ile1114del), but otherwise preserves the integrity of the reading frame. This variant is present in population databases (rs779715723, gnomAD 0.005%). This variant has not been reported in the literature in individuals affected with ATR-related conditions. ClinVar contains an entry for this variant (Variation ID: 1206113). Experimental studies and prediction algorithms are not available or were not evaluated, and the functional significance of this variant is currently unknown. In summary, the available evidence is currently insufficient to determine the role of this variant in disease. Therefore, it has been classified as a Variant of Uncertain Significance.

Fulgent Genetics
Classification: Uncertain significance for Seckel syndrome 1; Familial cutaneous telangiectasia and oropharyngeal predisposition cancer syndrome. Last evaluated: 2022-03-10. Review status: criteria provided, single submitter. Criteria: ACMG Guidelines, 2015. Collection method: clinical testing. Allele origin: unknown.

Clinical Genetics DNA and cytogenetics Diagnostics Lab, Erasmus MC, Erasmus Medical Center
Classification: Uncertain significance. Review status: no assertion criteria provided. Collection method: clinical testing. Allele origin: germline. Affected: yes. Study: VKGL Data-share Consensus. Not counted in ClinVar's aggregate classification.

Laboratory of Diagnostic Genome Analysis, Leiden University Medical Center (LUMC)
Classification: Uncertain significance. Review status: no assertion criteria provided. Collection method: clinical testing. Allele origin: germline. Affected: yes. Study: VKGL Data-share Consensus. Not counted in ClinVar's aggregate classification.

NM_001184.4(ATR):c.3339_3341del (p.Ile1114del)

Gene: ATR (ATR checkpoint kinase; minus strand). Cytogenetic location: 3q23.
Variant type: Deletion.
Coding change: c.3339_3341del on transcript NM_001184.4 (MANE Select); coding-DNA positions 3339 to 3341, 3 bases deleted (CAT; older notation c.3339_3341delCAT).
Protein change: p.Ile1114del; deletes isoleucine 1114.
Molecular consequence: inframe deletion.
Genome position (GRCh38, 1-based): chr3:142,547,741-142,547,743, ATG deleted on the plus strand (CAT on the coding strand, the reverse complement: ATR is on the minus strand); deleting any 3 consecutive bases within chr3:142,547,741-142,547,745 gives the same sequence; the c. name uses the placement nearest the transcript's 3' end. VCF-style (leftmost placement, unchanged base first): chr3-142547740-TATG-T. GRCh37 (hg19) VCF-style: chr3-142266582-TATG-T.
Other names: c.3147_3149del, p.Ile1050del (NM_001354579.2); short protein forms I1050del, I1114del.
Identifiers: ClinVar variation 1206113 (VCV001206113.8), dbSNP rs779715723, ClinGen allele CA2650150.